The following is an entry in ClinVar:

ClinVar aggregate classification (germline): Uncertain significance (1 of 4 stars; one submission).

Allele frequency attached by ClinVar (database versions not stated): gnomAD exomes below 0.00001; TOPMed below 0.00001.
gnomAD v4.1: 3 of 1,612,238 alleles (0.00019%); highest among the groups gnomAD compares: South Asian, 0.0011%; no homozygotes.

Submission:

Labcorp Genetics (formerly Invitae), Labcorp
Classification: Uncertain significance. Last evaluated: 2023-07-22. Review status: criteria provided, single submitter. Criteria: Invitae Variant Classification Sherloc (09022015). Collection method: clinical testing. Allele origin: germline.
Comment: This missense change has been observed in individual(s) with neurodevelopmental disorders (PMID: 33004838). This sequence change replaces glutamic acid, which is acidic and polar, with lysine, which is basic and polar, at codon 1570 of the MYH9 protein (p.Glu1570Lys). The frequency data for this variant in the population databases is considered unreliable, as metrics indicate poor data quality at this position in the gnomAD database. This variant is also known as c.4771G>A (p.Glu1591Lys) . Advanced modeling of protein sequence and biophysical properties (such as structural, functional, and spatial information, amino acid conservation, physicochemical variation, residue mobility, and thermodynamic stability) has been performed at Invitae for this missense variant, however the output from this modeling did not meet the statistical confidence thresholds required to predict the impact of this variant on MYH9 protein function. In summary, the available evidence is currently insufficient to determine the role of this variant in disease. Therefore, it has been classified as a Variant of Uncertain Significance.

Literature cited by the submitters: PubMed 33004838.

NM_002473.6(MYH9):c.4708G>A (p.Glu1570Lys)

Gene: MYH9 (myosin heavy chain 9; minus strand). Cytogenetic location: 22q12.3.
Variant type: single nucleotide variant.
Coding change: c.4708G>A on transcript NM_002473.6 (MANE Select); coding-DNA position 4708, G replaced by A.
Protein change: p.Glu1570Lys; replaces glutamic acid 1570 with lysine.
Molecular consequence: missense variant.
Genome position (GRCh38, 1-based): chr22:36,288,789, C>T on the plus strand (G>A on the coding strand, the complement: MYH9 is on the minus strand). VCF-style: chr22-36288789-C-T. GRCh37 (hg19) VCF-style: chr22-36684835-C-T.
Other names: short protein forms E1570K.
Identifiers: ClinVar variation 2780454 (VCV002780454.3), dbSNP rs1249288389, ClinGen allele CA411377497.
Genomic context (GRCh38, chr22:36,288,789, plus strand): 5'-GTCTGACCAGCTGCTTCTTCTTCTCCTCGCTCTGCTCGTCCCGGCCCTGCAGGTCCCGCT[C>T]GAACTGGGCCTTCATGGCCTGCAGGTTGACCTCCAACCGCAGCTTGGCATCTTCGGTGGC-3'
Protein context (NP_002464.1, residues 1560-1580): VNLQAMKAQF[Glu1570Lys]RDLQGRDEQS